The following is an entry in ClinVar:

ClinVar aggregate classification (germline): Conflicting classifications of pathogenicity. Review status: criteria provided, conflicting classifications (1 of 4 stars). 4 submissions from 4 submitters: Uncertain significance (2); Benign (1); Likely benign (1). Last evaluated 2025-12-03.

Conditions:
Kabuki syndrome. Also called: Kabuki make-up syndrome; NIIKAWA-KUROKI SYNDROME. Identifiers: Orphanet 2322, MedGen C0796004, MONDO:0016512.
Kabuki syndrome 1 (KABUK1). Also called: KMT2D-Related Kabuki Syndrome. Identifiers: Orphanet 2322, MedGen CN030661, MONDO:0007843, OMIM 147920.
KMT2D-related disorder. Also called: KMT2D-Related Disorders.

Allele frequency attached by ClinVar (database versions not stated): gnomAD 0.00005 and 0.00006; gnomAD exomes 0.00005 and 0.00006; TOPMed 0.00006.
gnomAD v4.1: 99 of 1,585,730 alleles (0.0062%); highest among the groups gnomAD compares: Non-Finnish European, 0.0078%; no homozygotes.

Submissions (4):

Labcorp Genetics (formerly Invitae), Labcorp
Classification: Benign for Kabuki syndrome. Last evaluated: 2025-12-03. Review status: criteria provided, single submitter. Criteria: Invitae Variant Classification Sherloc (09022015). Collection method: clinical testing. Allele origin: germline.

PreventionGenetics, part of Exact Sciences
Classification: Uncertain significance for KMT2D-related condition. Last evaluated: 2025-05-14. Review status: criteria provided, single submitter. Criteria: ACMG Guidelines, 2015. Collection method: clinical testing. Allele origin: germline.
Comment: The KMT2D c.11347C>G variant is predicted to result in the amino acid substitution p.Gln3783Glu. To our knowledge, this variant has not been reported in the literature. This variant is reported in 0.0089% of alleles in individuals of European (Non-Finnish) descent in gnomAD. Although we suspect that this variant may be benign, at this time, the clinical significance of this variant is uncertain due to the absence of conclusive functional and genetic evidence.

Athena Diagnostics
Classification: Likely benign. Last evaluated: 2020-01-13. Review status: criteria provided, single submitter. Criteria: Athena Diagnostics Criteria. Collection method: clinical testing. Allele origin: unknown.

Genetics and Molecular Pathology, SA Pathology
Classification: Uncertain significance for Kabuki syndrome 1. Last evaluated: 2019-07-30. Review status: criteria provided, single submitter. Criteria: ACMG Guidelines, 2015. Collection method: clinical testing. Allele origin: germline. Inheritance: Autosomal dominant inheritance. Affected: yes.

NM_003482.4(KMT2D):c.11347C>G (p.Gln3783Glu)

Gene: KMT2D (lysine methyltransferase 2D; minus strand). Cytogenetic location: 12q13.12.
Variant type: single nucleotide variant.
Coding change: c.11347C>G on transcript NM_003482.4 (MANE Select); coding-DNA position 11347, C replaced by G.
Protein change: p.Gln3783Glu; replaces glutamine 3783 with glutamic acid.
Molecular consequence: missense variant.
Genome position (GRCh38, 1-based): chr12:49,033,358, G>C on the plus strand (C>G on the coding strand, the complement: KMT2D is on the minus strand). VCF-style: chr12-49033358-G-C. GRCh37 (hg19) VCF-style: chr12-49427141-G-C.
Other names: short protein forms Q3783E.
Identifiers: ClinVar variation 805008 (VCV000805008.9), dbSNP rs752477959, ClinGen allele CA236640104.